The following is an entry in ClinVar:

NM_000035.4(ALDOB):c.523G>A (p.Ala175Thr)

Gene: ALDOB (aldolase, fructose-bisphosphate B; minus strand). Cytogenetic location: 9q31.1.
Variant type: single nucleotide variant.
Coding change: c.523G>A on transcript NM_000035.4 (MANE Select); coding-DNA position 523, G replaced by A.
Protein change: p.Ala175Thr; replaces alanine 175 with threonine.
Molecular consequence: missense variant.
Genome position (GRCh38, 1-based): chr9:101,427,499, C>T on the plus strand (G>A on the coding strand, the complement: ALDOB is on the minus strand). VCF-style: chr9-101427499-C-T. GRCh37 (hg19) VCF-style: chr9-104189781-C-T.
Other names: c.523G>A, p.Ala175Thr (LRG_1244t1); short protein forms A175T.
Identifiers: ClinVar variation 364312 (VCV000364312.8), dbSNP rs755134927, ClinGen allele CA5161572.

ClinVar aggregate classification (germline): Conflicting classifications of pathogenicity. Review status: criteria provided, conflicting classifications (1 of 4 stars). 4 submissions from 4 submitters: Likely pathogenic (1); Uncertain significance (3). Last evaluated 2025-06-23.

Conditions:
Hereditary fructosuria. Also called: Hereditary fructose intolerance; ALDOB DEFICIENCY; ALDOLASE B DEFICIENCY; FRUCTOSE-1,6-BISPHOSPHATE ALDOLASE B DEFICIENCY; FRUCTOSE-1-PHOSPHATE ALDOLASE DEFICIENCY; FRUCTOSEMIA. Identifiers: Orphanet 469, MedGen C0016751, MONDO:0009249, OMIM 229600, HP:0005973. Disease mechanism: loss of function.

Allele frequency attached by ClinVar (database versions not stated): gnomAD 0.00001 and 0.00003.
gnomAD v4.1: 70 of 1,614,060 alleles (0.0043%); highest among the groups gnomAD compares: South Asian, 0.059%; 1 homozygote.

Submissions (4):

Women's Health and Genetics/Laboratory Corporation of America, LabCorp
Classification: Uncertain significance. Last evaluated: 2025-06-23. Review status: criteria provided, single submitter. Criteria: LabCorp Variant Classification Summary - May 2015. Collection method: clinical testing. Allele origin: germline.
Comment: Variant summary: ALDOB c.523G>A (p.Ala175Thr) results in a non-conservative amino acid change in the encoded protein sequence. Algorithms developed to predict the effect of missense changes on protein structure and function all suggest that this variant is likely to be disruptive. The variant allele was found at a frequency of 8.8e-05 in 250872 control chromosomes. This frequency is not significantly higher than estimated for a pathogenic variant in ALDOB causing Hereditary Fructose Intolerance (8.8e-05 vs 0.0045), allowing no conclusion about variant significance. c.523G>A has been observed in individual(s) affected with Hereditary Fructose Intolerance (e.g. Esposito_2010). These report(s) do not provide unequivocal conclusions about association of the variant with Hereditary Fructose Intolerance. To our knowledge, no experimental evidence demonstrating an impact on protein function has been reported. The following publication has been ascertained in the context of this evaluation (PMID: 20848650). ClinVar contains an entry for this variant (Variation ID: 364312). Based on the evidence outlined above, the variant was classified as uncertain significance.

Labcorp Genetics (formerly Invitae), Labcorp
Classification: Uncertain significance for Hereditary fructosuria. Last evaluated: 2021-09-30. Review status: criteria provided, single submitter. Criteria: Invitae Variant Classification Sherloc (09022015). Collection method: clinical testing. Allele origin: germline.
Comment: This sequence change replaces alanine with threonine at codon 175 of the ALDOB protein (p.Ala175Thr). The alanine residue is highly conserved and there is a small physicochemical difference between alanine and threonine. This variant is present in population databases (rs755134927, ExAC 0.05%). This variant has been observed in individual(s) with hereditary fructose intolerance (PMID: 20848650). ClinVar contains an entry for this variant (Variation ID: 364312). Algorithms developed to predict the effect of missense changes on protein structure and function (SIFT, PolyPhen-2, Align-GVGD) all suggest that this variant is likely to be disruptive. This variant disrupts the p.Ala175 amino acid residue in ALDOB. Other variant(s) that disrupt this residue have been determined to be pathogenic (PMID: 1967768, 15880727, 18541450, 26937407). This suggests that this residue is clinically significant, and that variants that disrupt this residue are likely to be disease-causing. In summary, the available evidence is currently insufficient to determine the role of this variant in disease. Therefore, it has been classified as a Variant of Uncertain Significance.

Illumina Laboratory Services, Illumina
Classification: Uncertain significance for Hereditary fructosuria. Last evaluated: 2018-01-13. Review status: criteria provided, single submitter. Criteria: ICSL Variant Classification Criteria 13 December 2019. Collection method: clinical testing. Allele origin: germline.

Kariminejad - Najmabadi Pathology & Genetics Center
Classification: Likely pathogenic for Hereditary fructosuria. Review status: criteria provided, single submitter. Criteria: ACMG Guidelines, 2015. Collection method: clinical testing. Allele origin: germline. Affected: no.

Literature cited by the submitters: PubMed 20848650 (cited by Women's Health and Genetics/Laboratory Corporation of America, LabCorp and Labcorp Genetics (formerly Invitae), Labcorp); PubMed 1967768 (cited by Labcorp Genetics (formerly Invitae), Labcorp); PubMed 15880727 (cited by Labcorp Genetics (formerly Invitae), Labcorp); PubMed 18541450 (cited by Labcorp Genetics (formerly Invitae), Labcorp); PubMed 26937407 (cited by Labcorp Genetics (formerly Invitae), Labcorp).